The following is an entry in ClinVar:

ClinVar aggregate classification (germline): Uncertain significance (1 of 4 stars; one submission).

Conditions:
Nemaline myopathy 6 (NEM6). Also called: Nemaline myopathy 6, autosomal dominant. Identifiers: Orphanet 171439, MedGen C1836472, MONDO:0012237, OMIM 609273.

Submission:

Labcorp Genetics (formerly Invitae), Labcorp
Classification: Uncertain significance for Nemaline myopathy 6. Last evaluated: 2022-06-10. Review status: criteria provided, single submitter. Criteria: Invitae Variant Classification Sherloc (09022015). Collection method: clinical testing. Allele origin: germline.
Comment: This sequence change replaces arginine, which is basic and polar, with cysteine, which is neutral and slightly polar, at codon 357 of the KBTBD13 protein (p.Arg357Cys). In summary, the available evidence is currently insufficient to determine the role of this variant in disease. Therefore, it has been classified as a Variant of Uncertain Significance. Algorithms developed to predict the effect of missense changes on protein structure and function are either unavailable or do not agree on the potential impact of this missense change (SIFT: "Deleterious"; PolyPhen-2: "Probably Damaging"; Align-GVGD: "Class C15"). This variant has not been reported in the literature in individuals affected with KBTBD13-related conditions. This variant is not present in population databases (gnomAD no frequency).

NM_001101362.3(KBTBD13):c.1069C>T (p.Arg357Cys)

Gene: KBTBD13 (kelch repeat and BTB domain containing 13; plus strand). Cytogenetic location: 15q22.31.
Variant type: single nucleotide variant.
Coding change: c.1069C>T on transcript NM_001101362.3 (MANE Select); coding-DNA position 1069, C replaced by T.
Protein change: p.Arg357Cys; replaces arginine 357 with cysteine.
Molecular consequence: missense variant.
Genome position (GRCh38, 1-based): chr15:65,077,884, C>T. VCF-style: chr15-65077884-C-T. GRCh37 (hg19) VCF-style: chr15-65370222-C-T.
Other names: short protein forms R357C.
Identifiers: ClinVar variation 2124460 (VCV002124460.4), dbSNP rs2506311895, ClinGen allele CA392865362.